The following is an entry in ClinVar:

ClinVar aggregate classification (germline): Uncertain significance (1 of 4 stars; one submission).

Conditions:
Mitochondrial DNA depletion syndrome, encephalomyopathic form with methylmalonic aciduria (MTDPS5). Also called: MITOCHONDRIAL DNA DEPLETION SYNDROME, ENCEPHALOMYOPATHIC FORM, WITH OR WITHOUT METHYLMALONIC ACIDURIA, AUTOSOMAL RECESSIVE, SUCLA2-RELATED; Mitochondrial DNA depletion syndrome 5 (encephalomyopathic with or without methylmalonic aciduria); Mitochondrial encephalomyopathy aminoacidopathy; SUCLA2-Related Mitochondrial DNA Depletion Syndrome, Encephalomyopathic Form with Methylmalonic Aciduria. Identifiers: Orphanet 1933, MedGen C5980207, MONDO:0012791, OMIM 612073.

Allele frequency attached by ClinVar (database versions not stated): TOPMed below 0.00001.
gnomAD v4.1: 17 of 1,609,088 alleles (0.0011%); highest among the groups gnomAD compares: Non-Finnish European, 0.0014%; no homozygotes.

Submission:

Labcorp Genetics (formerly Invitae), Labcorp
Classification: Uncertain significance for Mitochondrial DNA depletion syndrome, encephalomyopathic form with methylmalonic aciduria. Last evaluated: 2022-06-22. Review status: criteria provided, single submitter. Criteria: Invitae Variant Classification Sherloc (09022015). Collection method: clinical testing. Allele origin: germline.
Comment: In summary, the available evidence is currently insufficient to determine the role of this variant in disease. Therefore, it has been classified as a Variant of Uncertain Significance. Algorithms developed to predict the effect of missense changes on protein structure and function (SIFT, PolyPhen-2, Align-GVGD) all suggest that this variant is likely to be tolerated. This variant has not been reported in the literature in individuals affected with SUCLA2-related conditions. This variant is not present in population databases (gnomAD no frequency). This sequence change replaces alanine, which is neutral and non-polar, with aspartic acid, which is acidic and polar, at codon 29 of the SUCLA2 protein (p.Ala29Asp).

NM_003850.3(SUCLA2):c.86C>A (p.Ala29Asp)

Genes: SUCLA2 (succinate-CoA ligase ADP-forming subunit beta; minus strand), LOC130009747 (ATAC-STARR-seq lymphoblastoid active region 7719; plus strand). Cytogenetic location: 13q14.2.
Variant type: single nucleotide variant.
Coding change: c.86C>A on transcript NM_003850.3 (MANE Select); coding-DNA position 86, C replaced by A.
Protein change: p.Ala29Asp; replaces alanine 29 with aspartic acid.
Molecular consequence: missense variant.
Genome position (GRCh38, 1-based): chr13:48,001,184, G>T on the plus strand (C>A on the coding strand, the complement: SUCLA2 is on the minus strand). VCF-style: chr13-48001184-G-T. GRCh37 (hg19) VCF-style: chr13-48575320-G-T.
Other names: short protein forms A29D.
Identifiers: ClinVar variation 1953161 (VCV001953161.3), dbSNP rs1182235529, ClinGen allele CA388155181.